The following is an entry in ClinVar:

NM_001012339.3(DNAJC21):c.1352C>G (p.Ala451Gly)

Gene: DNAJC21 (DnaJ heat shock protein family (Hsp40) member C21; plus strand). Cytogenetic location: 5p13.2.
Variant type: single nucleotide variant.
Coding change: c.1352C>G on transcript NM_001012339.3 (MANE Select); coding-DNA position 1352, C replaced by G.
Protein change: p.Ala451Gly; replaces alanine 451 with glycine.
Molecular consequence: missense variant.
Genome position (GRCh38, 1-based): chr5:34,950,336, C>G. VCF-style: chr5-34950336-C-G. GRCh37 (hg19) VCF-style: chr5-34950441-C-G.
Other names: c.1391C>G, p.Ala464Gly (NM_001348420.2); c.1487C>G, p.Ala496Gly (NM_194283.4); c.1487C>G (NM_194283.3); short protein forms A451G, A464G, A496G.
Identifiers: ClinVar variation 1915772 (VCV001915772.6), dbSNP rs768548154, ClinGen allele CA3228817.

ClinVar aggregate classification (germline): Uncertain significance. Review status: criteria provided, multiple submitters, no conflicts (2 of 4 stars). 3 submissions from 3 submitters: Uncertain significance (3). Last evaluated 2024-12-04.

Conditions:
Inborn genetic diseases. Identifiers: MedGen C0950123, MeSH D030342.

Allele frequency attached by ClinVar (database versions not stated): ExAC 0.00001; gnomAD exomes 0.00001.
gnomAD v4.1: 9 of 1,607,946 alleles (0.00056%); highest among the groups gnomAD compares: Non-Finnish European, 0.00076%; no homozygotes.

Submissions (3):

Ambry Genetics
Classification: Uncertain significance for Inborn genetic diseases. Last evaluated: 2024-12-04. Review status: criteria provided, single submitter. Criteria: Ambry Variant Classification Scheme 2023. Collection method: clinical testing. Allele origin: germline.

Blueprint Genetics
Classification: Uncertain significance. Last evaluated: 2024-10-11. Review status: criteria provided, single submitter. Criteria: ACMG Guidelines, 2015. Collection method: clinical testing. Allele origin: germline.

Labcorp Genetics (formerly Invitae), Labcorp
Classification: Uncertain significance. Last evaluated: 2022-05-07. Review status: criteria provided, single submitter. Criteria: Invitae Variant Classification Sherloc (09022015). Collection method: clinical testing. Allele origin: germline.
Comment: This variant is present in population databases (rs768548154, gnomAD 0.002%). This sequence change replaces alanine, which is neutral and non-polar, with glycine, which is neutral and non-polar, at codon 451 of the DNAJC21 protein (p.Ala451Gly). In summary, the available evidence is currently insufficient to determine the role of this variant in disease. Therefore, it has been classified as a Variant of Uncertain Significance. Algorithms developed to predict the effect of missense changes on protein structure and function (SIFT, PolyPhen-2, Align-GVGD) all suggest that this variant is likely to be tolerated. This variant has not been reported in the literature in individuals affected with DNAJC21-related conditions.